The following is an entry in ClinVar:

ClinVar aggregate classification (germline): Uncertain significance (1 of 4 stars; one submission).

Allele frequency attached by ClinVar (database versions not stated): ExAC 0.00001.
gnomAD v4.1: 1 of 1,614,202 alleles (0.000062%); highest among the groups gnomAD compares: Non-Finnish European, 0.000085%; no homozygotes.

Submission:

Labcorp Genetics (formerly Invitae), Labcorp
Classification: Uncertain significance. Last evaluated: 2022-08-07. Review status: criteria provided, single submitter. Criteria: Invitae Variant Classification Sherloc (09022015). Collection method: clinical testing. Allele origin: germline.
Comment: In summary, the available evidence is currently insufficient to determine the role of this variant in disease. Therefore, it has been classified as a Variant of Uncertain Significance. Algorithms developed to predict the effect of missense changes on protein structure and function output the following: SIFT: "Tolerated"; PolyPhen-2: "Benign"; Align-GVGD: "Class C0". The asparagine amino acid residue is found in multiple mammalian species, which suggests that this missense change does not adversely affect protein function. This variant has not been reported in the literature in individuals affected with MTPAP-related conditions. This variant is present in population databases (rs771523018, gnomAD 0.0009%). This sequence change replaces serine, which is neutral and polar, with asparagine, which is neutral and polar, at codon 573 of the MTPAP protein (p.Ser573Asn).

NM_018109.4(MTPAP):c.1718G>A (p.Ser573Asn)

Gene: MTPAP (mitochondrial poly(A) polymerase; minus strand). Cytogenetic location: 10p11.23.
Variant type: single nucleotide variant.
Coding change: c.1718G>A on transcript NM_018109.4 (MANE Select); coding-DNA position 1718, G replaced by A.
Protein change: p.Ser573Asn; replaces serine 573 with asparagine.
Molecular consequence: missense variant.
Genome position (GRCh38, 1-based): chr10:30,313,640, C>T on the plus strand (G>A on the coding strand, the complement: MTPAP is on the minus strand). VCF-style: chr10-30313640-C-T. GRCh37 (hg19) VCF-style: chr10-30602569-C-T.
Other names: short protein forms S573N.
Identifiers: ClinVar variation 2022645 (VCV002022645.4), dbSNP rs771523018, ClinGen allele CA5458902.
Genomic context (GRCh38, chr10:30,313,640, plus strand): 5'-GCCCAGTTCTTTACACAATGTAGCAGCCATCATGTCTGAGTACTAATTGTTCTCTTCCCA[C>T]TGGTTTTTGTGAAATTTTCTGTTCTGTTACCTTTTAAAGATTCTAGCAAGTTTTTGACTG-3'
Protein context (NP_060579.3, residues 563-582): GNRTENFTKT[Ser573Asn]GKRTISTQT